The following is an entry in ClinVar:

ClinVar aggregate classification (germline): Pathogenic/Likely pathogenic. Review status: criteria provided, multiple submitters, no conflicts (2 of 4 stars). 3 submissions from 3 submitters: Pathogenic (2); Likely pathogenic (1). Last evaluated 2025-06-06.

Conditions:
Hereditary cancer-predisposing syndrome. Also called: Hereditary Cancer Syndrome; Neoplastic Syndromes, Hereditary; Hereditary neoplastic syndrome; Tumor predisposition. Identifiers: Orphanet 140162, MedGen C0027672, MeSH D009386, MONDO:0015356.
Tumor predisposition syndrome 3 (TPDS3). Also called: LONG TELOMERE SYNDROME, POT1-RELATED; POT1 Tumor Predisposition; Glioma susceptibility 9; Melanoma, cutaneous malignant, susceptibility to, 10. Identifiers: Orphanet 618, MedGen C4014476, MONDO:0014368, OMIM 615848.

Submissions (3):

Ambry Genetics
Classification: Pathogenic for Hereditary cancer-predisposing syndrome. Last evaluated: 2025-06-06. Review status: criteria provided, single submitter. Criteria: Ambry Variant Classification Scheme 2023. Collection method: clinical testing. Allele origin: germline.
Comment: The c.1322dupA pathogenic mutation, located in coding exon 10 of the POT1 gene, results from a duplication of A at nucleotide position 1322, causing a translational frameshift with a predicted alternate stop codon (p.N441Kfs*2). This alteration is expected to result in loss of function by premature protein truncation or nonsense-mediated mRNA decay. As such, this alteration is interpreted as a disease-causing mutation.

Labcorp Genetics (formerly Invitae), Labcorp
Classification: Pathogenic for Tumor predisposition syndrome 3. Last evaluated: 2025-05-14. Review status: criteria provided, single submitter. Criteria: Invitae Variant Classification Sherloc (09022015). Collection method: clinical testing. Allele origin: germline.
Comment: This sequence change creates a premature translational stop signal (p.Asn441Lysfs*2) in the POT1 gene. It is expected to result in an absent or disrupted protein product. Loss-of-function variants in POT1 are known to be pathogenic (PMID: 32155570). This variant is present in population databases (no rsID available, gnomAD 0.0009%). This variant has not been reported in the literature in individuals affected with POT1-related conditions. ClinVar contains an entry for this variant (Variation ID: 1452522). Algorithms developed to predict the effect of sequence changes on RNA splicing suggest that this variant may disrupt the consensus splice site. For these reasons, this variant has been classified as Pathogenic.

Clinical Genomics Laboratory, Washington University in St. Louis
Classification: Likely pathogenic for Tumor predisposition syndrome 3. Last evaluated: 2023-12-26. Review status: criteria provided, single submitter. Criteria: ACMG Guidelines, 2015. Collection method: clinical testing. Allele origin: germline. Affected: yes.
Comment: The POT1 c.1322dup (p.Asn441LysfsTer2) variant, to our knowledge, has not been reported in the medical literature. This variant is only observed on 1/250,876 alleles in the general population (gnomAD v.2.1.1), indicating it is not a common variant. This variant causes a frameshift by inserting a single nucleotide, leading to a premature termination codon, which is predicted to lead to nonsense mediated decay. Loss-of-function variants in POT1 are known to be pathogenic (Gong Y et al., PMID: 32155570). This variant has been reported in the ClinVar database as a pathogenic germline variant by two submitters. Based on available information and the ACMG/AMP guidelines for variant interpretation (Richards S et al., PMID: 25741868), this variant is classified as likely pathogenic.

Literature cited by the submitters: PubMed 32155570 (cited by Labcorp Genetics (formerly Invitae), Labcorp).

NM_015450.3(POT1):c.1322dup (p.Asn441fs)

Gene: POT1 (protection of telomeres 1; minus strand). Cytogenetic location: 7q31.33.
Variant type: Duplication.
Coding change: c.1322dup on transcript NM_015450.3 (MANE Select); coding-DNA position 1322, one base duplicated (A; older notation c.1322dupA).
Protein change: p.Asn441fs; shifts the reading frame from asparagine 441.
Molecular consequence: frameshift variant. On other transcripts: non-coding transcript variant (3).
Genome position (GRCh38, 1-based): chr7:124,841,020, T duplicated on the plus strand (A on the coding strand, the reverse complement: POT1 is on the minus strand); the first of 5 consecutive T bases (chr7:124,841,020-124,841,024); duplicating any one gives the same sequence. VCF-style (leftmost placement, unchanged base first): chr7-124841019-A-AT. GRCh37 (hg19) VCF-style: chr7-124481073-A-AT.
Other names: c.929dup, p.Asn310fs (NM_001042594.2); short protein forms N310fs, N441fs.
Identifiers: ClinVar variation 1452522 (VCV001452522.10), dbSNP rs1358966427, ClinGen allele CA577682103.